The following is an entry in ClinVar:

ClinVar aggregate classification (germline): Uncertain significance (1 of 4 stars; one submission).

Conditions:
Glycogen storage disease due to muscle beta-enolase deficiency (GSD13). Also called: ENOLASE 3 DEFICIENCY; ENOLASE-BETA DEFICIENCY; GSD XIII; Glycogen Storage Disease Type XIII. Identifiers: Orphanet 99849, MedGen C2752027, MONDO:0013046, OMIM 612932.

Allele frequency attached by ClinVar (database versions not stated): gnomAD 0.00001; gnomAD exomes 0.00001.
gnomAD v4.1: 5 of 1,614,084 alleles (0.00031%); highest among the groups gnomAD compares: Non-Finnish European, 0.00042%; no homozygotes.

Submission:

Labcorp Genetics (formerly Invitae), Labcorp
Classification: Uncertain significance for Glycogen storage disease due to muscle beta-enolase deficiency. Last evaluated: 2023-07-14. Review status: criteria provided, single submitter. Criteria: Invitae Variant Classification Sherloc (09022015). Collection method: clinical testing. Allele origin: germline.
Comment: This sequence change replaces asparagine, which is neutral and polar, with aspartic acid, which is acidic and polar, at codon 17 of the ENO3 protein (p.Asn17Asp). This variant is not present in population databases (gnomAD no frequency). This variant has not been reported in the literature in individuals affected with ENO3-related conditions. ClinVar contains an entry for this variant (Variation ID: 858403). Advanced modeling of protein sequence and biophysical properties (such as structural, functional, and spatial information, amino acid conservation, physicochemical variation, residue mobility, and thermodynamic stability) has been performed at Invitae for this missense variant, however the output from this modeling did not meet the statistical confidence thresholds required to predict the impact of this variant on ENO3 protein function. In summary, the available evidence is currently insufficient to determine the role of this variant in disease. Therefore, it has been classified as a Variant of Uncertain Significance.

NM_053013.4(ENO3):c.49A>G (p.Asn17Asp)

Gene: ENO3 (enolase 3; plus strand). Cytogenetic location: 17p13.2.
Variant type: single nucleotide variant.
Coding change: c.49A>G on transcript NM_053013.4 (MANE Select); coding-DNA position 49, A replaced by G.
Protein change: p.Asn17Asp; replaces asparagine 17 with aspartic acid.
Molecular consequence: missense variant.
Genome position (GRCh38, 1-based): chr17:4,951,878, A>G. VCF-style: chr17-4951878-A-G. GRCh37 (hg19) VCF-style: chr17-4855173-A-G.
Other names: c.49A>G, p.Asn17Asp (NM_001193503.2, NM_001374523.1, NM_001976.5); c.76A>G, p.Asn26Asp (NM_001374524.1); short protein forms N17D, N26D.
Identifiers: ClinVar variation 858403 (VCV000858403.9), dbSNP rs1971550702, ClinGen allele CA397282371.
Genomic context (GRCh38, chr17:4,951,878, plus strand): 5'-TGTCCTGCAGCCATGGCCATGCAGAAAATCTTTGCCCGGGAAATCTTGGACTCCAGGGGC[A>G]ACCCCACGGTGGAGGTGGACCTGCACACGGCCAAGGGTAACACAAGGCCCATTGGATAGG-3'
Protein context (NP_443739.3, residues 7-27): FAREILDSRG[Asn17Asp]PTVEVDLHTA